The following is an entry in ClinVar:

ClinVar aggregate classification (germline): Uncertain significance (1 of 4 stars; one submission).

gnomAD v4.1: 90 of 1,607,010 alleles (0.0056%); highest among the groups gnomAD compares: Non-Finnish European, 0.007%; no homozygotes.

Submission:

Labcorp Genetics (formerly Invitae), Labcorp
Classification: Uncertain significance. Last evaluated: 2025-09-06. Review status: criteria provided, single submitter. Criteria: Invitae Variant Classification Sherloc (09022015). Collection method: clinical testing. Allele origin: germline.
Comment: This sequence change replaces glycine, which is neutral and non-polar, with aspartic acid, which is acidic and polar, at codon 664 of the HMCN1 protein (p.Gly664Asp). This variant is present in population databases (rs780279948, gnomAD 0.009%). This variant has not been reported in the literature in individuals affected with HMCN1-related conditions. An algorithm developed to predict the effect of missense changes on protein structure and function (PolyPhen-2) suggests that this variant is likely to be disruptive. In summary, the available evidence is currently insufficient to determine the role of this variant in disease. Therefore, it has been classified as a Variant of Uncertain Significance.

NM_031935.3(HMCN1):c.1991G>A (p.Gly664Asp)

Gene: HMCN1 (hemicentin 1; plus strand). Cytogenetic location: 1q31.1.
Variant type: single nucleotide variant.
Coding change: c.1991G>A on transcript NM_031935.3 (MANE Select); coding-DNA position 1991, G replaced by A.
Protein change: p.Gly664Asp; replaces glycine 664 with aspartic acid.
Molecular consequence: missense variant.
Genome position (GRCh38, 1-based): chr1:185,963,788, G>A. VCF-style: chr1-185963788-G-A. GRCh37 (hg19) VCF-style: chr1-185932920-G-A.
Other names: short protein forms G664D.
Identifiers: ClinVar variation 4709085 (VCV004709085.1).